The following is an entry in ClinVar:

NM_001042492.3(NF1):c.5426C>T (p.Pro1809Leu)

Gene: NF1 (neurofibromin 1; plus strand). Cytogenetic location: 17q11.2.
Variant type: single nucleotide variant.
Coding change: c.5426C>T on transcript NM_001042492.3 (MANE Select); coding-DNA position 5426, C replaced by T.
Protein change: p.Pro1809Leu; replaces proline 1809 with leucine.
Molecular consequence: missense variant.
Genome position (GRCh38, 1-based): chr17:31,327,656, C>T. VCF-style: chr17-31327656-C-T. GRCh37 (hg19) VCF-style: chr17-29654674-C-T.
Other names: c.5363C>T, p.Pro1788Leu (NM_000267.4); short protein forms P1788L, P1809L.
Identifiers: ClinVar variation 142084 (VCV000142084.18), dbSNP rs587782220, ClinGen allele CA167357.

ClinVar aggregate classification (germline): Conflicting classifications of pathogenicity. Review status: criteria provided, conflicting classifications (1 of 4 stars). 7 submissions from 6 submitters: Uncertain significance (3); Likely benign (4). Last evaluated 2026-04-07.

Conditions:
Cardiovascular phenotype. Identifiers: MedGen CN230736.
Hereditary cancer-predisposing syndrome. Also called: Tumor predisposition; Neoplastic Syndromes, Hereditary; Hereditary neoplastic syndrome; Hereditary Cancer Syndrome. Identifiers: Orphanet 140162, MedGen C0027672, MeSH D009386, MONDO:0015356.
NF1-related disorder. Also called: NF1-related condition. Identifiers: MedGen CN379171.
Neurofibromatosis, type 1 (NF1). Also called: NEUROFIBROMATOSIS, TYPE I, SOMATIC; VON RECKLINGHAUSEN DISEASE; Peripheral type neurofibromatosis; Neurofibromatosis, type I. Identifiers: Orphanet 636, MedGen C0027831, MONDO:0018975, OMIM 162200. Disease mechanism: loss of function.

Allele frequency attached by ClinVar (database versions not stated): gnomAD 0.00002; gnomAD exomes 0.00003 and 0.00006; TOPMed 0.00004; ExAC 0.00005.
gnomAD v4.1: 51 of 1,613,958 alleles (0.0032%); highest among the groups gnomAD compares: Admixed American, 0.0083%; no homozygotes.

Submissions (7):

PreventionGenetics, part of Exact Sciences
Classification: Uncertain significance for NF1-related condition. Last evaluated: 2026-04-07. Review status: criteria provided, single submitter. Criteria: ACMG Guidelines, 2015. Collection method: clinical testing. Allele origin: germline.
Comment: The NF1 c.5426C>T variant is predicted to result in the amino acid substitution p.Pro1809Leu. This variant has been reported in an individual with neurofibromatosis type 1 who carried a second de novo NF1 variant (Koczkowska et al. 2023. PubMed ID: 37186028). This variant was determined to be paternally inherited, and the patient's father was noted to be unaffected but did have a benign tumor of the knee earlier in life (Koczkowska et al. 2023. PubMed ID: 37186028). This variant is reported in 0.017% of alleles in individuals of Latino descent in gnomAD and has conflicting interpretations in ClinVar ranging from uncertain to likely benign (Variation ID: 142084). At this time, the clinical significance of this variant is uncertain due to the absence of conclusive functional and genetic evidence.

Labcorp Genetics (formerly Invitae), Labcorp
Classification: Likely benign for Neurofibromatosis, type 1. Last evaluated: 2026-02-03. Review status: criteria provided, single submitter. Criteria: Invitae Variant Classification Sherloc (09022015). Collection method: clinical testing. Allele origin: germline.

Quest Diagnostics Nichols Institute San Juan Capistrano
Classification: Uncertain significance. Last evaluated: 2024-09-02. Review status: criteria provided, single submitter. Criteria: Quest Diagnostics criteria. Collection method: clinical testing. Allele origin: unknown.
Comment: The NF1 c.5363C>T (p.Pro1788Leu) variant has been reported in the published literature in an individual with neurofibromatosis type 1 who carried a second de novo NF1 variant, and in their unaffected father (PMID: 37186028 (2023)). In a large-scale breast cancer association study, the variant was observed in unaffected individuals (PMID: 33471991 (2021), see also LOVD). The frequency of this variant in the general population, 0.00017 (6/34592 chromosomes in Admixed American subpopulation (Genome Aggregation Database)), is higher than would generally be expected for pathogenic variants in this gene. Analysis of this variant using bioinformatics tools for the prediction of the effect of amino acid changes on protein structure and function yielded predictions that this variant is damaging. Based on the available information, we are unable to determine the clinical significance of this variant.

Blueprint Genetics
Classification: Likely benign. Last evaluated: 2021-09-28. Review status: criteria provided, single submitter. Criteria: ACMG Guidelines, 2015. Collection method: clinical testing. Allele origin: germline.

Ambry Genetics
Classification: Likely benign for Cardiovascular phenotype; Hereditary cancer-predisposing syndrome. Last evaluated: 2021-01-25. Review status: criteria provided, single submitter. Criteria: Ambry Variant Classification Scheme 2023. Collection method: clinical testing. Allele origin: germline.

GeneDx
Classification: Likely benign. Last evaluated: 2019-07-23. Review status: criteria provided, single submitter. Criteria: GeneDx Variant Classification Process June 2021. Collection method: clinical testing. Allele origin: germline. Affected: yes.
Comment: In silico analysis, which includes protein predictors and evolutionary conservation, supports a deleterious effect; Has not been previously published as pathogenic or benign to our knowledge; This variant is associated with the following publications: (PMID: 28481359)

Ambry Genetics
Classification: Uncertain significance for Hereditary cancer-predisposing syndrome. Last evaluated: 2015-12-22. Review status: criteria provided, single submitter. Criteria: Ambry Autosomal Dominant and X-Linked criteria (10/2015). Collection method: clinical testing. Allele origin: germline. Observed: 1 variant allele.
Comment: The p.P1809L variant (also known as c.5426C>T), located in coding exon 38 of the NF1 gene, results from a C to T substitution at nucleotide position 5426. The proline at codon 1809 is replaced by leucine, an amino acid with similar properties. This variant was not reported in population based cohorts in the following databases: Database of Single Nucleotide Polymorphisms (dbSNP), NHLBI Exome Sequencing Project (ESP), and 1000 Genomes Project. In the ESP, this variant was not observed in 6503 samples (13006 alleles) with coverage at this position. To date, this alteration has been detected with an allele frequency of approximately 0.009% (greater than 110000 alleles tested) in our clinical cohort. This amino acid position is highly conserved in available vertebrate species. In addition, this alteration is predicted to be deleterious by in silico analysis. Since supporting evidence is limited at this time, the clinical significance of p.P1809L remains unclear.

Literature cited by the submitters: PubMed 33471991 (cited by Quest Diagnostics Nichols Institute San Juan Capistrano); PubMed 37186028 (cited by Quest Diagnostics Nichols Institute San Juan Capistrano).